The following is an entry in ClinVar:

ClinVar aggregate classification (germline): Conflicting classifications of pathogenicity. Review status: criteria provided, conflicting classifications (1 of 4 stars). 7 submissions from 7 submitters: Pathogenic (2); Likely pathogenic (4); Uncertain significance (1). Last evaluated 2026-08-05.

Conditions:
Achromatopsia 2 (ACHM2). Also called: COLORBLINDNESS, TOTAL; ROD MONOCHROMACY 2; ROD MONOCHROMATISM 2. Identifiers: Orphanet 49382, MedGen C1857618, MONDO:0009003, OMIM 216900.
CNGA3-related disorder. Also called: CNGA3-related condition.
CNGA3-related disorders.

Allele frequency attached by ClinVar (database versions not stated): gnomAD 0.00012 and 0.00011; 1000 Genomes Project 30x 0.00016; TOPMed 0.00016; 1000 Genomes Project 0.00020.
gnomAD v4.1: 132 of 1,614,112 alleles (0.0082%); highest among the groups gnomAD compares: Admixed American, 0.19%; no homozygotes.

Submissions (7):

PreventionGenetics, part of Exact Sciences
Classification: Likely pathogenic for CNGA3-related condition. Last evaluated: 2026-08-05. Review status: criteria provided, single submitter. Criteria: ACMG Guidelines, 2015. Collection method: clinical testing. Allele origin: germline.
Comment: The CNGA3 c.1981C>A variant is predicted to result in the amino acid substitution p.Arg661Ser. This variant has been reported in the compound heterozygous state or with a second causative CNGA3 variant (Supplementary Table 2, Solaki et al. 2022. PubMedID: 35332618; Amaral et al. 2023. PubMedID: 37372476; Supplementary Table, Zanolli et al. 2020. PubMed ID: 3214136; Yang et al. 2014. PubMed ID: 24676353). This variant is reported in 0.24% of alleles in individuals of Latino descent in gnomAD. This variant is interpreted as likely pathogenic.

Labcorp Genetics (formerly Invitae), Labcorp
Classification: Pathogenic. Last evaluated: 2025-10-26. Review status: criteria provided, single submitter. Criteria: Invitae Variant Classification Sherloc (09022015). Collection method: clinical testing. Allele origin: germline.
Comment: This sequence change replaces arginine, which is basic and polar, with serine, which is neutral and polar, at codon 661 of the CNGA3 protein (p.Arg661Ser). This variant is present in population databases (rs183838250, gnomAD 0.2%). This missense change has been observed in individual(s) with clinical features of achromatopsia or cone-rod dystrophy (PMID: 24676353, 30711023; internal data). In at least one individual the data is consistent with being in trans (on the opposite chromosome) from a pathogenic variant. ClinVar contains an entry for this variant (Variation ID: 867037). Invitae Evidence Modeling of protein sequence and biophysical properties (such as structural, functional, and spatial information, amino acid conservation, physicochemical variation, residue mobility, and thermodynamic stability) has been performed for this missense variant. However, the output from this modeling did not meet the statistical confidence thresholds required to predict the impact of this variant on CNGA3 protein function. For these reasons, this variant has been classified as Pathogenic.

GeneDx
Classification: Likely pathogenic. Last evaluated: 2025-03-15. Review status: criteria provided, single submitter. Criteria: GeneDx Variant Classification Process June 2021. Collection method: clinical testing. Allele origin: germline. Affected: yes.
Comment: In silico analysis supports that this missense variant has a deleterious effect on protein structure/function; This variant is associated with the following publications: (PMID: 30711023, 32141364, 24676353, 35947183, 37372476, 35332618)

Blueprint Genetics
Classification: Pathogenic for CNGA3-related disorders. Last evaluated: 2024-10-22. Review status: criteria provided, single submitter. Criteria: ACMG Guidelines, 2015. Collection method: clinical testing. Allele origin: germline. Affected: yes. Observed: 5 variant alleles.

Dasa
Classification: Uncertain significance for Achromatopsia 2. Last evaluated: 2024-10-11. Review status: criteria provided, single submitter. Criteria: DASA Assertion Criteria. Collection method: clinical testing. Allele origin: germline.
Comment: NM_001298.3(CNGA3):c.1981C>A (p.Arg661Ser) is a missense variant that results in the substitution of arginine with serine. This variant has been reported in individuals with CNGA3-related disorders (PMID: 24676353). Also, this variant is rare in population databases. Computational prediction algorithms are consistent with a deleterious effect. The currently available literature and clinical evidence are not sufficient to establish a definitive association between this variant and the reported condition. Therefore, this variant is classified as a variant of uncertain significance.

Fulgent Genetics
Classification: Likely pathogenic for Achromatopsia 2. Last evaluated: 2024-02-06. Review status: criteria provided, single submitter. Criteria: ACMG Guidelines, 2015. Collection method: clinical testing. Allele origin: germline.

3billion
Classification: Likely pathogenic for Achromatopsia 2. Last evaluated: 2023-11-08. Review status: criteria provided, single submitter. Criteria: ACMG Guidelines, 2015. Collection method: clinical testing. Allele origin: germline. Affected: yes.
Comment: The variant is observed at an extremely low frequency in the gnomAD v2.1.1 dataset (total allele frequency: 0.031%). Predicted Consequence/Location: Missense variant In silico tool predictions suggest damaging effect of the variant on gene or gene product [REVEL: 0.72 (>=0.6, sensitivity 0.68 and specificity 0.92); 3Cnet: 0.89 (>=0.6, sensitivity 0.72 and precision 0.9)]. Same nucleotide change resulting in same amino acid change has been previously reported as pathogenic/likely pathogenic with strong evidence (ClinVar ID: VCV000867037 /3billion dataset). Different missense changes at the same codon (p.Arg661Cys, p.Arg661His) have been reported as pathogenic/likely pathogenic with strong evidence (ClinVar ID: VCV000851211, VCV000864739 /PMID: 32913385). Therefore, this variant is classified as Likely pathogenic according to the recommendation of ACMG/AMP guideline.

Literature cited by the submitters: PubMed 24676353 (cited by Labcorp Genetics (formerly Invitae), Labcorp and Dasa); PubMed 30711023 (cited by Labcorp Genetics (formerly Invitae), Labcorp and Dasa); PubMed 32913385 (cited by 3billion).

NM_001298.3(CNGA3):c.1981C>A (p.Arg661Ser)

Gene: CNGA3 (cyclic nucleotide gated channel subunit alpha 3; plus strand). Cytogenetic location: 2q11.2.
Variant type: single nucleotide variant.
Coding change: c.1981C>A on transcript NM_001298.3 (MANE Select); coding-DNA position 1981, C replaced by A.
Protein change: p.Arg661Ser; replaces arginine 661 with serine.
Molecular consequence: missense variant.
Genome position (GRCh38, 1-based): chr2:98,397,151, C>A. VCF-style: chr2-98397151-C-A. GRCh37 (hg19) VCF-style: chr2-99013614-C-A.
Other names: c.1927C>A, p.Arg643Ser (NM_001079878.2); short protein forms R661S, R643S.
Identifiers: ClinVar variation 867037 (VCV000867037.20), dbSNP rs183838250, ClinGen allele CA1794128.